The following is an entry in ClinVar:

NM_001605.3(AARS1):c.1274C>G (p.Thr425Ser)

Gene: AARS1 (alanyl-tRNA synthetase 1; minus strand). Cytogenetic location: 16q22.1.
Variant type: single nucleotide variant.
Coding change: c.1274C>G on transcript NM_001605.3 (MANE Select); coding-DNA position 1274, C replaced by G.
Protein change: p.Thr425Ser; replaces threonine 425 with serine.
Molecular consequence: missense variant.
Genome position (GRCh38, 1-based): chr16:70,265,611, G>C on the plus strand (C>G on the coding strand, the complement: AARS1 is on the minus strand). VCF-style: chr16-70265611-G-C. GRCh37 (hg19) VCF-style: chr16-70299514-G-C.
Other names: short protein forms T425S.
Identifiers: ClinVar variation 3605464 (VCV003605464.2).

ClinVar aggregate classification (germline): Uncertain significance (1 of 4 stars; one submission).

Conditions:
Charcot-Marie-Tooth disease type 2. Also called: Charcot-Marie-Tooth type 2. Identifiers: Orphanet 64746, MedGen C0270914, MONDO:0018993.

gnomAD v4.1: 6 of 1,613,934 alleles (0.00037%); highest among the groups gnomAD compares: Non-Finnish European, 0.00051%; no homozygotes.

Submission:

Labcorp Genetics (formerly Invitae), Labcorp
Classification: Uncertain significance for Charcot-Marie-Tooth disease type 2. Last evaluated: 2024-10-22. Review status: criteria provided, single submitter. Criteria: Invitae Variant Classification Sherloc (09022015). Collection method: clinical testing. Allele origin: germline.
Comment: This sequence change replaces threonine, which is neutral and polar, with serine, which is neutral and polar, at codon 425 of the AARS protein (p.Thr425Ser). This variant is not present in population databases (gnomAD no frequency). This variant has not been reported in the literature in individuals affected with AARS-related conditions. Invitae Evidence Modeling of protein sequence and biophysical properties (such as structural, functional, and spatial information, amino acid conservation, physicochemical variation, residue mobility, and thermodynamic stability) has been performed for this missense variant. However, the output from this modeling did not meet the statistical confidence thresholds required to predict the impact of this variant on AARS protein function. In summary, the available evidence is currently insufficient to determine the role of this variant in disease. Therefore, it has been classified as a Variant of Uncertain Significance.